The following is an entry in ClinVar:

NM_021098.3(CACNA1H):c.4533C>A (p.Tyr1511Ter)

Gene: CACNA1H (calcium voltage-gated channel subunit alpha1 H; plus strand). Cytogenetic location: 16p13.3.
Variant type: single nucleotide variant.
Coding change: c.4533C>A on transcript NM_021098.3 (MANE Select); coding-DNA position 4533, C replaced by A.
Protein change: p.Tyr1511Ter; replaces tyrosine 1511 with a stop codon.
Molecular consequence: nonsense.
Genome position (GRCh38, 1-based): chr16:1,211,772, C>A. VCF-style: chr16-1211772-C-A. GRCh37 (hg19) VCF-style: chr16-1261772-C-A.
Other names: c.4533C>A, p.Tyr1511Ter (NM_001005407.2); short protein forms Y1511*.
Identifiers: ClinVar variation 5018708 (VCV005018708.2).

ClinVar aggregate classification (germline): Uncertain significance (1 of 4 stars; one submission).

Conditions:
Hyperaldosteronism, familial, type IV (HALD4). Also called: FH IV; ALDOSTERONISM, PRIMARY, AND HYPERTENSION. Identifiers: Orphanet 642671, MedGen C4310756, MONDO:0014875, OMIM 617027.
Epilepsy, childhood absence, susceptibility to, 6. Identifiers: Orphanet 64280, MedGen C2749872, MONDO:0012763, OMIM 611942.

Submission:

Juno Genomics, Hangzhou Juno Genomics, Inc
Classification: Uncertain significance for Epilepsy, childhood absence, susceptibility to, 6; Hyperaldosteronism, familial, type IV. Review status: criteria provided, single submitter. Criteria: ACMG Guidelines, 2015. Collection method: clinical testing. Allele origin: germline.
Comment: Absent from controls (or at extremely low frequency if recessive) in Genome Aggregation Database.